The following is an entry in ClinVar:

ClinVar aggregate classification (germline): Pathogenic (1 of 4 stars; one submission).

Conditions:
Polycystic kidney disease, adult type (PKD1). Also called: POLYCYSTIC KIDNEY DISEASE 1 WITH OR WITHOUT POLYCYSTIC LIVER DISEASE; POLYCYSTIC KIDNEY DISEASE, ADULT, TYPE I; Polycystic Kidney Disease 1, Autosomal Dominant; Polycystic kidney disease 1; Polycystic kidney disease 1, severe; Polycystic Kidney, Autosomal Dominant. Identifiers: MedGen C3149841, MONDO:0008263, OMIM 173900.

Submission:

Fulgent Genetics
Classification: Pathogenic for Polycystic kidney disease, adult type. Last evaluated: 2021-06-30. Review status: criteria provided, single submitter. Criteria: ACMG Guidelines, 2015. Collection method: clinical testing. Allele origin: unknown.
Comment: This variant has been detected in individual(s) who were sent for testing of Renasight - kidney gene panel.

NM_001009944.3(PKD1):c.601dup (p.His201fs)

Gene: PKD1 (polycystin 1, transient receptor potential channel interacting; minus strand). Cytogenetic location: 16p13.3.
Variant type: Duplication.
Coding change: c.601dup on transcript NM_001009944.3 (MANE Select); coding-DNA position 601, one base duplicated (C; older notation c.601dupC).
Protein change: p.His201fs; shifts the reading frame from histidine 201.
Molecular consequence: frameshift variant.
Genome position (GRCh38, 1-based): chr16:2,118,391, G duplicated on the plus strand (C on the coding strand, the reverse complement: PKD1 is on the minus strand); the first of 3 consecutive G bases (chr16:2,118,391-2,118,393); duplicating any one gives the same sequence. VCF-style (leftmost placement, unchanged base first): chr16-2118390-T-TG. GRCh37 (hg19) VCF-style: chr16-2168391-T-TG.
Other names: c.601dup, p.His201fs (NM_000296.4); short protein forms H201fs.
Identifiers: ClinVar variation 1179124 (VCV001179124.2), dbSNP rs2151824362, ClinGen allele CA2499223391.